The following is an entry in ClinVar:

NM_001173990.3(TMEM216):c.432G>A (p.Arg144=)

Gene: TMEM216 (transmembrane protein 216; plus strand). Cytogenetic location: 11q12.2.
Variant type: single nucleotide variant.
Coding change: c.432G>A on transcript NM_001173990.3 (MANE Select); coding-DNA position 432, G replaced by A.
Protein change: p.Arg144=; no amino-acid change (arginine 144 retained).
Molecular consequence: synonymous variant.
Genome position (GRCh38, 1-based): chr11:61,398,270, G>A. VCF-style: chr11-61398270-G-A. GRCh37 (hg19) VCF-style: chr11-61165742-G-A.
Other names: c.441G>A, p.Arg147= (NM_001173991.3); c.249G>A, p.Arg83= (NM_001330285.2); c.258G>A, p.Arg86= (NM_016499.6).
Identifiers: ClinVar variation 3029535 (VCV003029535.2), dbSNP rs757397537, ClinGen allele CA6034784.

ClinVar aggregate classification (germline): Likely benign (0 of 4 stars; one submission).

Conditions:
TMEM216-related disorder. Also called: TMEM216-related condition; TMEM216-related disorders.

Allele frequency attached by ClinVar (database versions not stated): TOPMed below 0.00001; ExAC 0.00001.
gnomAD v4.1: 9 of 1,611,434 alleles (0.00056%); highest among the groups gnomAD compares: South Asian, 0.0044%; no homozygotes.

Submission:

PreventionGenetics, part of Exact Sciences
Classification: Likely benign for TMEM216-related condition. Last evaluated: 2022-02-14. Review status: no assertion criteria provided. Collection method: clinical testing. Allele origin: germline.
Comment: This variant is classified as likely benign based on ACMG/AMP sequence variant interpretation guidelines (Richards et al. 2015 PMID: 25741868, with internal and published modifications).